The following is an entry in ClinVar:

NM_001382347.1(MYO5A):c.3067-4G>A

Gene: MYO5A (myosin VA; minus strand). Cytogenetic location: 15q21.2.
Variant type: single nucleotide variant.
Coding change: c.3067-4G>A on transcript NM_001382347.1 (MANE Select); 4 bases into the intron before coding-DNA position 3067, G replaced by A.
Molecular consequence: intron variant.
Genome position (GRCh38, 1-based): chr15:52,367,128, C>T on the plus strand (G>A on the coding strand, the complement: MYO5A is on the minus strand). VCF-style: chr15-52367128-C-T. GRCh37 (hg19) VCF-style: chr15-52659325-C-T.
Other names: c.3067-4G>A (NM_000259.3, NM_001142495.2); c.3139-4G>A (NM_001382349.1, NM_001382348.1).
Identifiers: ClinVar variation 2229942 (VCV002229942.3), dbSNP rs778984027, ClinGen allele CA7568527.

ClinVar aggregate classification (germline): Conflicting classifications of pathogenicity. Review status: criteria provided, conflicting classifications (1 of 4 stars). 2 submissions from 2 submitters: Uncertain significance (1); Likely benign (1). Last evaluated 2024-05-15.

Conditions:
Inborn genetic diseases. Identifiers: MedGen C0950123, MeSH D030342.

Allele frequency attached by ClinVar (database versions not stated): ExAC 0.00001; gnomAD 0.00003; gnomAD exomes 0.00005; TOPMed 0.00006.
gnomAD v4.1: 69 of 1,610,608 alleles (0.0043%); highest among the groups gnomAD compares: Non-Finnish European, 0.0055%; no homozygotes.

Submissions (2):

Blueprint Genetics
Classification: Likely benign. Last evaluated: 2024-05-15. Review status: criteria provided, single submitter. Criteria: ACMG Guidelines, 2015. Collection method: clinical testing. Allele origin: germline.

Ambry Genetics
Classification: Uncertain significance for Inborn genetic diseases. Last evaluated: 2021-03-30. Review status: criteria provided, single submitter. Criteria: Ambry Variant Classification Scheme 2023. Collection method: clinical testing. Allele origin: germline.
Comment: The c.3067-4G>A intronic alteration consists of a G to A substitution 4 nucleotides before coding exon 23 in the MYO5A gene. In silico splice site analysis predicts that this alteration will not have any significant effect on splicing. Based on insufficient or conflicting evidence, the clinical significance of this alteration remains unclear.